The following is an entry in ClinVar:

ClinVar aggregate classification (germline): Likely benign. Review status: criteria provided, multiple submitters, no conflicts (2 of 4 stars). 4 submissions from 4 submitters: Likely benign (3). 1 of the submissions does not count toward it. Last evaluated 2025-08-13.

Conditions:
TBC1D24-related disorder. Also called: TBC1D24-related condition; TBC1D24-related disorders. Identifiers: MedGen CN381194.
Developmental and epileptic encephalopathy, 1 (DEE1). Also called: X-linked infantile spasms; West's syndrome; Tonic spasms with clustering, arrest of psychomotor development and hypsarrhythmia on EEG; X-Linked Infantile Spasm Syndrome; Epileptic encephalopathy, early infantile, 1; OHTAHARA SYNDROME, X-LINKED. Identifiers: MedGen C3463992, MONDO:0010632, OMIM 308350. Disease mechanism: loss of function.
Autosomal dominant nonsyndromic hearing loss 65. Also called: Deafness, autosomal dominant 65; TBC1D24-Related Autosomal Dominant Nonsyndromic Hearing Loss (DFNA). Identifiers: Orphanet 90635, MedGen C3892048, MONDO:0014470, OMIM 616044.

Allele frequency attached by ClinVar (database versions not stated): TOPMed 0.00001; gnomAD exomes 0.00002; ExAC 0.00003.
gnomAD v4.1: 30 of 1,612,580 alleles (0.0019%); highest among the groups gnomAD compares: Middle Eastern, 0.016%; no homozygotes.

Submissions (4):

Labcorp Genetics (formerly Invitae), Labcorp
Classification: Likely benign for Developmental and epileptic encephalopathy, 1; Autosomal dominant nonsyndromic hearing loss 65. Last evaluated: 2025-08-13. Review status: criteria provided, single submitter. Criteria: Invitae Variant Classification Sherloc (09022015). Collection method: clinical testing. Allele origin: germline.

CeGaT Center for Human Genetics Tuebingen
Classification: Likely benign. Last evaluated: 2022-01-01. Review status: criteria provided, single submitter. Criteria: CeGaT Center For Human Genetics Tuebingen Variant Classification Criteria Version 2. Collection method: clinical testing. Allele origin: germline. Affected: yes. Observed: 1 variant allele.

Laboratory for Molecular Medicine, Mass General Brigham Personalized Medicine
Classification: Likely benign. Last evaluated: 2017-08-03. Review status: criteria provided, single submitter. Criteria: LMM Criteria. Collection method: clinical testing. Allele origin: germline. Observed: 1 variant allele.
Comment: p.Thr99Thr in exon 2 of TBC1D24: This variant is not expected to have clinical s ignificance because it does not alter an amino acid residue and is not located w ithin the splice consensus sequence. It has been identified in 5/30776 South Asi an chromosomes by the Genome Aggregation Database (gnomAD; dbSNP rs767766165).

PreventionGenetics, part of Exact Sciences
Classification: Likely benign for TBC1D24-related condition. Last evaluated: 2021-06-22. Review status: no assertion criteria provided. Collection method: clinical testing. Allele origin: germline. Not counted in ClinVar's aggregate classification.
Comment: This variant is classified as likely benign based on ACMG/AMP sequence variant interpretation guidelines (Richards et al. 2015 PMID: 25741868, with internal and published modifications).

NM_001199107.2(TBC1D24):c.297G>A (p.Thr99=)

Gene: TBC1D24 (TBC1 domain family member 24; plus strand). Cytogenetic location: 16p13.3.
Variant type: single nucleotide variant.
Coding change: c.297G>A on transcript NM_001199107.2 (MANE Select); coding-DNA position 297, G replaced by A.
Protein change: p.Thr99=; no amino-acid change (threonine 99 retained).
Molecular consequence: synonymous variant.
Genome position (GRCh38, 1-based): chr16:2,496,445, G>A. VCF-style: chr16-2496445-G-A. GRCh37 (hg19) VCF-style: chr16-2546446-G-A.
Other names: c.297G>A, p.Thr99= (NM_020705.3).
Identifiers: ClinVar variation 517511 (VCV000517511.50), dbSNP rs767766165, ClinGen allele CA7843967.